The following is an entry in ClinVar:

ClinVar aggregate classification (germline): Likely benign. Review status: criteria provided, multiple submitters, no conflicts (2 of 4 stars). 2 submissions from 2 submitters: Likely benign (2). Last evaluated 2026-03-01.

Submissions (2):

CeGaT Center for Human Genetics Tuebingen
Classification: Likely benign. Last evaluated: 2026-03-01. Review status: criteria provided, single submitter. Criteria: CeGaT Center For Human Genetics Tuebingen Variant Classification Criteria Version 2. Collection method: clinical testing. Allele origin: germline. Affected: yes. Observed: 6 variant alleles.
Comment: ACAN: BP4, BP7

Blueprint Genetics
Classification: Likely benign. Last evaluated: 2024-03-11. Review status: criteria provided, single submitter. Criteria: ACMG Guidelines, 2015. Collection method: clinical testing. Allele origin: germline.

NM_001369268.1(ACAN):c.2979C>T (p.Ser993=)

Gene: ACAN (aggrecan; plus strand). Cytogenetic location: 15q26.1.
Variant type: single nucleotide variant.
Coding change: c.2979C>T on transcript NM_001369268.1 (MANE Select); coding-DNA position 2979, C replaced by T.
Protein change: p.Ser993=; no amino-acid change (serine 993 retained).
Molecular consequence: synonymous variant.
Genome position (GRCh38, 1-based): chr15:88,855,564, C>T. VCF-style: chr15-88855564-C-T. GRCh37 (hg19) VCF-style: chr15-89398795-C-T.
Other names: c.2979C>T, p.Ser993= (NM_001135.4, NM_001411096.1, NM_001411097.1 and 1 more transcripts).
Identifiers: ClinVar variation 3777997 (VCV003777997.8).
Genomic context (GRCh38, chr15:88,855,564, plus strand): 5'-CAGTGGGCTTCCTTCTGGAGAAGTTCTAGAGACCACTGCCCCTGGAGTAGAGGACATCAG[C>T]GGGCTTCCTTCTGGAGAAGTTCTAGAGACCACTGCCCCTGGAGTAGAGGACATCAGCGGG-3'
Protein context (NP_001356197.1, residues 983-1003): ETTAPGVEDI[Ser993=]GLPSGEVLET